The following is an entry in ClinVar:

ClinVar aggregate classification (germline): Likely benign. Review status: criteria provided, multiple submitters, no conflicts (2 of 4 stars). 3 submissions from 3 submitters: Likely benign (3). Last evaluated 2025-07-14.

Conditions:
Hereditary breast ovarian cancer syndrome. Also called: Hereditary breast and ovarian cancer syndrome; Breast and ovarian cancer; BRCA1- and BRCA2-Associated Hereditary Breast and Ovarian Cancer; Hereditary breast and ovarian cancer syndrome (HBOC); Hereditary breast and/or ovarian cancer syndrome; Hereditary breast and ovarian cancer. Identifiers: Orphanet 145, MedGen C0677776, MeSH D061325, MONDO:0003582. Disease mechanism: loss of function.

Allele frequency attached by ClinVar (database versions not stated): gnomAD exomes below 0.00001.
gnomAD v4.1: 2 of 1,613,144 alleles (0.00012%); highest among the groups gnomAD compares: Admixed American, 0.0033%; no homozygotes.

Submissions (3):

Labcorp Genetics (formerly Invitae), Labcorp
Classification: Likely benign for Hereditary breast ovarian cancer syndrome. Last evaluated: 2025-07-14. Review status: criteria provided, single submitter. Criteria: Invitae Variant Classification Sherloc (09022015). Collection method: clinical testing. Allele origin: germline.

Women's Health and Genetics/Laboratory Corporation of America, LabCorp
Classification: Likely benign. Last evaluated: 2024-12-11. Review status: criteria provided, single submitter. Criteria: LabCorp Variant Classification Summary - May 2015. Collection method: clinical testing. Allele origin: germline.

GeneDx
Classification: Likely benign. Last evaluated: 2017-03-23. Review status: criteria provided, single submitter. Criteria: GeneDx Variant Classification (06012015). Collection method: clinical testing. Allele origin: germline. Affected: yes.
Comment: This variant is considered likely benign or benign based on one or more of the following criteria: it is a conservative change, it occurs at a poorly conserved position in the protein, it is predicted to be benign by multiple in silico algorithms, and/or has population frequency not consistent with disease.

NM_000059.4(BRCA2):c.9117+12T>A

Gene: BRCA2 (BRCA2 DNA repair associated; plus strand). Cytogenetic location: 13q13.1.
Variant type: single nucleotide variant.
Coding change: c.9117+12T>A on transcript NM_000059.4 (MANE Select); 12 bases into the intron after coding-DNA position 9117, T replaced by A.
Molecular consequence: intron variant.
Genome position (GRCh38, 1-based): chr13:32,379,925, T>A. VCF-style: chr13-32379925-T-A. GRCh37 (hg19) VCF-style: chr13-32954062-T-A.
Identifiers: ClinVar variation 508387 (VCV000508387.11), dbSNP rs1212956665, ClinGen allele CA609453944.
Genomic context (GRCh38, chr13:32,379,925, plus strand): 5'-TAACATACAGTTAGCAGCGACAAAAAAAACTCAGTATCAACAACTACCGGTACAAACCTT[T>A]CATTGTAATTTTTCAGTTTTGATAAGTGCTTGTTAGTTTATGGAATCTCCATATGTTGAA-3'